The following is an entry in ClinVar:

ClinVar aggregate classification (germline): Uncertain significance. Review status: criteria provided, multiple submitters, no conflicts (2 of 4 stars). 2 submissions from 2 submitters: Uncertain significance (2). Last evaluated 2024-08-07.

Conditions:
Hereditary cancer-predisposing syndrome. Also called: Neoplastic Syndromes, Hereditary; Tumor predisposition; Hereditary Cancer Syndrome; Hereditary neoplastic syndrome. Identifiers: Orphanet 140162, MedGen C0027672, MeSH D009386, MONDO:0015356.

Submissions (2):

Labcorp Genetics (formerly Invitae), Labcorp
Classification: Uncertain significance. Last evaluated: 2024-08-07. Review status: criteria provided, single submitter. Criteria: Invitae Variant Classification Sherloc (09022015). Collection method: clinical testing. Allele origin: germline.
Comment: This sequence change replaces serine, which is neutral and polar, with isoleucine, which is neutral and non-polar, at codon 35 of the HOXB13 protein (p.Ser35Ile). This variant is not present in population databases (gnomAD no frequency). This variant has not been reported in the literature in individuals affected with HOXB13-related conditions. ClinVar contains an entry for this variant (Variation ID: 1776711). An algorithm developed to predict the effect of missense changes on protein structure and function (PolyPhen-2) suggests that this variant is likely to be tolerated. In summary, the available evidence is currently insufficient to determine the role of this variant in disease. Therefore, it has been classified as a Variant of Uncertain Significance.

Ambry Genetics
Classification: Uncertain significance for Hereditary cancer-predisposing syndrome. Last evaluated: 2020-06-16. Review status: criteria provided, single submitter. Criteria: Ambry Variant Classification Scheme 2023. Collection method: clinical testing. Allele origin: germline.
Comment: The p.S35I variant (also known as c.104G>T), located in coding exon 1 of the HOXB13 gene, results from a G to T substitution at nucleotide position 104. The serine at codon 35 is replaced by isoleucine, an amino acid with dissimilar properties. This amino acid position is well conserved in available vertebrate species. In addition, this alteration is predicted to be tolerated by in silico analysis. Since supporting evidence is limited at this time, the clinical significance of this alteration remains unclear.

NM_006361.6(HOXB13):c.104G>T (p.Ser35Ile)

Gene: HOXB13 (homeobox B13; minus strand). Cytogenetic location: 17q21.32.
Variant type: single nucleotide variant.
Coding change: c.104G>T on transcript NM_006361.6 (MANE Select); coding-DNA position 104, G replaced by T.
Protein change: p.Ser35Ile; replaces serine 35 with isoleucine.
Molecular consequence: missense variant.
Genome position (GRCh38, 1-based): chr17:48,728,490, C>A on the plus strand (G>T on the coding strand, the complement: HOXB13 is on the minus strand). VCF-style: chr17-48728490-C-A. GRCh37 (hg19) VCF-style: chr17-46805852-C-A.
Other names: short protein forms S35I.
Identifiers: ClinVar variation 1776711 (VCV001776711.5), dbSNP rs2143075084, ClinGen allele CA400109325.